The following is an entry in ClinVar:

NM_198578.4(LRRK2):c.3862A>G (p.Met1288Val)

Gene: LRRK2 (leucine rich repeat kinase 2; plus strand). Cytogenetic location: 12q12.
Variant type: single nucleotide variant.
Coding change: c.3862A>G on transcript NM_198578.4 (MANE Select); coding-DNA position 3862, A replaced by G.
Protein change: p.Met1288Val; replaces methionine 1288 with valine.
Molecular consequence: missense variant.
Genome position (GRCh38, 1-based): chr12:40,305,869, A>G. VCF-style: chr12-40305869-A-G. GRCh37 (hg19) VCF-style: chr12-40699671-A-G.
Other names: short protein forms M1288V.
Identifiers: ClinVar variation 2489643 (VCV002489643.2), dbSNP rs1377371573, ClinGen allele CA384417209.

ClinVar aggregate classification (germline): Uncertain significance (1 of 4 stars; one submission).

Conditions:
Inborn genetic diseases. Identifiers: MedGen C0950123, MeSH D030342.

Allele frequency attached by ClinVar (database versions not stated): gnomAD exomes below 0.00001; TOPMed below 0.00001.

Submission:

Ambry Genetics
Classification: Uncertain significance for Inborn genetic diseases. Last evaluated: 2022-11-05. Review status: criteria provided, single submitter. Criteria: Ambry Variant Classification Scheme 2023. Collection method: clinical testing. Allele origin: germline.
Comment: The p.M1288V variant (also known as c.3862A>G), located in coding exon 28 of the LRRK2 gene, results from an A to G substitution at nucleotide position 3862. The methionine at codon 1288 is replaced by valine, an amino acid with highly similar properties. This amino acid position is conserved. In addition, the in silico prediction for this alteration is inconclusive. Since supporting evidence is limited at this time, the clinical significance of this alteration remains unclear.